The following is an entry in ClinVar:

ClinVar aggregate classification (germline): Uncertain significance. Review status: criteria provided, multiple submitters, no conflicts (2 of 4 stars). 2 submissions from 2 submitters: Uncertain significance (2). Last evaluated 2021-10-28.

Conditions:
Mucopolysaccharidosis type 1. Also called: IDUA deficiency; MPS I. Identifiers: Orphanet 579, MedGen C0023786, MONDO:0001586.

Allele frequency attached by ClinVar (database versions not stated): gnomAD exomes below 0.00001; TOPMed below 0.00001.
gnomAD v4.1: 1 of 1,462,426 alleles (0.000068%); highest among the groups gnomAD compares: Non-Finnish European, 0.00009%; no homozygotes.

Submissions (2):

Labcorp Genetics (formerly Invitae), Labcorp
Classification: Uncertain significance for Mucopolysaccharidosis type 1. Last evaluated: 2021-10-28. Review status: criteria provided, single submitter. Criteria: Invitae Variant Classification Sherloc (09022015). Collection method: clinical testing. Allele origin: germline.
Comment: This sequence change replaces arginine, which is basic and polar, with glutamine, which is neutral and polar, at codon 502 of the IDUA protein (p.Arg502Gln). This variant is not present in population databases (gnomAD no frequency). This variant has not been reported in the literature in individuals affected with IDUA-related conditions. Advanced modeling of protein sequence and biophysical properties (such as structural, functional, and spatial information, amino acid conservation, physicochemical variation, residue mobility, and thermodynamic stability) performed at Invitae indicates that this missense variant is not expected to disrupt IDUA protein function. In summary, the available evidence is currently insufficient to determine the role of this variant in disease. Therefore, it has been classified as a Variant of Uncertain Significance.

Revvity Omics, Revvity
Classification: Uncertain significance. Last evaluated: 2021-10-14. Review status: criteria provided, single submitter. Criteria: ACMG Guidelines, 2015. Collection method: clinical testing. Allele origin: germline.

NM_000203.5(IDUA):c.1505G>A (p.Arg502Gln)

Gene: IDUA (alpha-L-iduronidase; plus strand). Cytogenetic location: 4p16.3.
Variant type: single nucleotide variant.
Coding change: c.1505G>A on transcript NM_000203.5 (MANE Select); coding-DNA position 1505, G replaced by A.
Protein change: p.Arg502Gln; replaces arginine 502 with glutamine.
Molecular consequence: missense variant. On other transcripts: non-coding transcript variant (1).
Genome position (GRCh38, 1-based): chr4:1,003,138, G>A. VCF-style: chr4-1003138-G-A. GRCh37 (hg19) VCF-style: chr4-996926-G-A.
Other names: c.1109G>A, p.Arg370Gln (NM_001363576.1); short protein forms R502Q, R370Q.
Identifiers: ClinVar variation 1403225 (VCV001403225.5), dbSNP rs769566506, ClinGen allele CA2802281.